The following is an entry in ClinVar:

NM_000059.4(BRCA2):c.9221T>C (p.Leu3074Pro)

Gene: BRCA2 (BRCA2 DNA repair associated; plus strand). Cytogenetic location: 13q13.1.
Variant type: single nucleotide variant.
Coding change: c.9221T>C on transcript NM_000059.4 (MANE Select); coding-DNA position 9221, T replaced by C.
Protein change: p.Leu3074Pro; replaces leucine 3074 with proline.
Molecular consequence: missense variant. On other transcripts: non-coding transcript variant (1).
Genome position (GRCh38, 1-based): chr13:32,380,110, T>C. VCF-style: chr13-32380110-T-C. GRCh37 (hg19) VCF-style: chr13-32954247-T-C.
Other names: c.9125T>C, p.Leu3042Pro (NM_001406719.1); c.9170T>C, p.Leu3057Pro (NM_001406720.1); c.4289T>C, p.Leu1430Pro (NM_001406721.1); c.2804T>C, p.Leu935Pro (NM_001406722.1); c.9221T>C, p.Leu3074Pro (NM_001432077.1); short protein forms L1430P, L3042P, L3057P, L3074P, L935P.
Identifiers: ClinVar variation 3376536 (VCV003376536.1).

ClinVar aggregate classification (germline): Likely pathogenic (1 of 4 stars; one submission).

Conditions:
Hereditary breast ovarian cancer syndrome. Also called: BRCA1- and BRCA2-Associated Hereditary Breast and Ovarian Cancer; Hereditary breast and ovarian cancer syndrome (HBOC); Breast and ovarian cancer; Hereditary breast and/or ovarian cancer syndrome; Hereditary breast and ovarian cancer; Hereditary breast and ovarian cancer syndrome. Identifiers: Orphanet 145, MedGen C0677776, MeSH D061325, MONDO:0003582. Disease mechanism: loss of function.

Submission:

Breast Care Center, Daerim St. Mary`s Hospital
Classification: Likely pathogenic for Hereditary breast and ovarian cancer syndrome. Last evaluated: 2024-11-14. Review status: criteria provided, single submitter. Criteria: ACMG Guidelines, 2015. Collection method: clinical testing. Allele origin: germline. Inheritance: Autosomal dominant inheritance. Affected: no. Observed: 1 heterozygote.
Comment: This non-truncating, non-synonymous variant is located in coding exon 24 of the BRCA2 gene, within a mutational hot spot and/or critical and well-established functional domain. Multiple computational prediction tools consistently support a deleterious effect on gene function. This variant is not found in the gnomAD genomes or exomes database. Based on the available evidence, this variant is classified as likely pathogenic.